The following is an entry in ClinVar:

ClinVar aggregate classification (germline): Pathogenic (1 of 4 stars; one submission).

Allele frequency attached by ClinVar (database versions not stated): gnomAD exomes below 0.00001.
gnomAD v4.1: 1 of 1,613,926 alleles (0.000062%); highest among the groups gnomAD compares: Non-Finnish European, 0.000085%; no homozygotes.

Submission:

Labcorp Genetics (formerly Invitae), Labcorp
Classification: Pathogenic. Last evaluated: 2020-03-04. Review status: criteria provided, single submitter. Criteria: Invitae Variant Classification Sherloc (09022015). Collection method: clinical testing. Allele origin: germline.
Comment: This sequence change creates a premature translational stop signal (p.Glu438*) in the TTLL5 gene. It is expected to result in an absent or disrupted protein product. This variant is not present in population databases (ExAC no frequency). This variant has not been reported in the literature in individuals with TTLL5-related conditions. Loss-of-function variants in TTLL5 are known to be pathogenic (PMID: 24791901, 27162334). For these reasons, this variant has been classified as Pathogenic.

Literature cited by the submitters: PubMed 24791901; PubMed 27162334.

NM_015072.5(TTLL5):c.1312G>T (p.Glu438Ter)

Gene: TTLL5 (tubulin tyrosine ligase like 5; plus strand). Cytogenetic location: 14q24.3.
Variant type: single nucleotide variant.
Coding change: c.1312G>T on transcript NM_015072.5 (MANE Select); coding-DNA position 1312, G replaced by T.
Protein change: p.Glu438Ter; replaces glutamic acid 438 with a stop codon.
Molecular consequence: nonsense.
Genome position (GRCh38, 1-based): chr14:75,745,125, G>T. VCF-style: chr14-75745125-G-T. GRCh37 (hg19) VCF-style: chr14-76211468-G-T.
Other names: short protein forms E438*.
Identifiers: ClinVar variation 1071104 (VCV001071104.7), dbSNP rs2140258948, ClinGen allele CA390465281.